The following is an entry in ClinVar:

NM_004525.3(LRP2):c.11750_11751del (p.Glu3917fs)

Gene: LRP2 (LDL receptor related protein 2; minus strand). Cytogenetic location: 2q31.1.
Variant type: Microsatellite.
Coding change: c.11750_11751del on transcript NM_004525.3 (MANE Select); coding-DNA positions 11750 to 11751, 2 bases deleted (AG; older notation c.11750_11751delAG).
Protein change: p.Glu3917fs; shifts the reading frame from glutamic acid 3917.
Molecular consequence: frameshift variant.
Genome position (GRCh38, 1-based): chr2:169,165,939-169,165,940, CT deleted on the plus strand (AG on the coding strand, the reverse complement: LRP2 is on the minus strand); deleting any 2 consecutive bases within chr2:169,165,939-169,165,942 gives the same sequence; the c. name uses the placement nearest the transcript's 3' end. VCF-style (leftmost placement, unchanged base first): chr2-169165938-CCT-C. GRCh37 (hg19) VCF-style: chr2-170022448-CCT-C.
Other names: short protein forms E3917fs.
Identifiers: ClinVar variation 5015796 (VCV005015796.1).

ClinVar aggregate classification (germline): Pathogenic (1 of 4 stars; one submission).

Conditions:
Donnai-Barrow syndrome. Also called: DBS/FOAR SYNDROME; FACIOOCULOACOUSTICORENAL SYNDROME. Identifiers: Orphanet 2143, MedGen C1857277, MONDO:0009104, OMIM 222448.

Submission:

Myriad Genetics, Inc.
Classification: Pathogenic for Donnai-Barrow syndrome. Last evaluated: 2026-04-11. Review status: criteria provided, single submitter. Criteria: Myriad Autosomal Dominant, Autosomal Recessive and X-Linked Classification Criteria (2023). Collection method: clinical testing. Allele origin: unknown.
Comment: NM_004525.2(LRP2):c.11750_11751delAG(E3917Gfs*4) is expected to be pathogenic in the context of Donnai-Barrow syndrome. This variant is predicted to lead to an abnormal or absent protein product due to the creation of a premature termination codon in LRP2, a gene where loss-of-function variants are known to be pathogenic. Please note: this variant was assessed in the context of healthy population screening.